The following is an entry in ClinVar:

NM_020937.4(FANCM):c.5579G>A (p.Arg1860His)

Gene: FANCM (FA complementation group M; plus strand). Cytogenetic location: 14q21.2.
Variant type: single nucleotide variant.
Coding change: c.5579G>A on transcript NM_020937.4 (MANE Select); coding-DNA position 5579, G replaced by A.
Protein change: p.Arg1860His; replaces arginine 1860 with histidine.
Molecular consequence: missense variant.
Genome position (GRCh38, 1-based): chr14:45,196,410, G>A. VCF-style: chr14-45196410-G-A. GRCh37 (hg19) VCF-style: chr14-45665613-G-A.
Other names: c.5579G>A (LRG_502t1, NM_020937.3); c.5501G>A, p.Arg1834His (NM_001308133.2); short protein forms R1860H, R1834H.
Identifiers: ClinVar variation 642327 (VCV000642327.19), dbSNP rs776506025, ClinGen allele CA7170024.

ClinVar aggregate classification (germline): Uncertain significance. Review status: criteria provided, multiple submitters, no conflicts (2 of 4 stars). 4 submissions from 4 submitters: Uncertain significance (4). Last evaluated 2025-11-02.

Conditions:
Spermatogenic failure 28. Identifiers: MedGen C4748117, MONDO:0054732, OMIM 618086.
Premature ovarian failure 15. Identifiers: MedGen C4748170, MONDO:0054862, OMIM 618096.
Fanconi anemia (FA). Also called: Fanconi's anemia. Identifiers: Orphanet 84, MedGen C0015625, MeSH D005199, MONDO:0019391.

Allele frequency attached by ClinVar (database versions not stated): ExAC 0.00002; gnomAD exomes 0.00005; TOPMed 0.00006; gnomAD 0.00007.
gnomAD v4.1: 161 of 1,613,912 alleles (0.01%); highest among the groups gnomAD compares: Middle Eastern, 0.016%; no homozygotes.

Submissions (4):

Labcorp Genetics (formerly Invitae), Labcorp
Classification: Uncertain significance for Fanconi anemia. Last evaluated: 2025-11-02. Review status: criteria provided, single submitter. Criteria: Invitae Variant Classification Sherloc (09022015). Collection method: clinical testing. Allele origin: germline.
Comment: This sequence change replaces arginine, which is basic and polar, with histidine, which is basic and polar, at codon 1860 of the FANCM protein (p.Arg1860His). This variant is present in population databases (rs776506025, gnomAD 0.01%). This missense change has been observed in individual(s) with clinical features of FANCM-related conditions (PMID: 30995915, 36707629). ClinVar contains an entry for this variant (Variation ID: 642327). An algorithm developed to predict the effect of missense changes on protein structure and function (PolyPhen-2) suggests that this variant is likely to be disruptive. In summary, the available evidence is currently insufficient to determine the role of this variant in disease. Therefore, it has been classified as a Variant of Uncertain Significance.

Quest Diagnostics Nichols Institute San Juan Capistrano
Classification: Uncertain significance. Last evaluated: 2025-08-20. Review status: criteria provided, single submitter. Criteria: Quest Diagnostics criteria. Collection method: clinical testing. Allele origin: unknown.
Comment: The FANCM c.5579G>A (p.Arg1860His) variant has been reported in the published literature in individuals with breast/ovarian cancer (PMID: 28569218 (2017), 28881617 (2017)), pancreatic cancer (PMID: 26483394 (2015)), neuroblastoma (PMID: 33384420 (2020)), and dyskeratosis congenita (PMID: 30995915 (2019)). In case-control studies, this variant was observed in additional individuals with breast cancer as well as in reportedly unaffected individuals (PMIDs: 36707629 (2023), 33471991 (2021), see also LOVD). The frequency of this variant in the general population (Genome Aggregation Database) is uninformative in the assessment of its pathogenicity. Analysis of this variant using bioinformatics tools for the prediction of the effect of amino acid changes on protein structure and function yielded predictions that this variant is damaging. Based on the available information, we are unable to determine the clinical significance of this variant.

GeneDx
Classification: Uncertain significance. Last evaluated: 2024-08-08. Review status: criteria provided, single submitter. Criteria: GeneDx Variant Classification Process June 2021. Collection method: clinical testing. Allele origin: germline. Affected: yes.
Comment: Not observed at significant frequency in large population cohorts (gnomAD); In silico analysis supports that this missense variant has a deleterious effect on protein structure/function; Observed in individuals with ovarian or pancreatic cancer but also in unaffected controls (PMID: 26483394, 27713038, 28881617); This variant is associated with the following publications: (PMID: 30995915, 27713038, 28881617, 26483394)

Fulgent Genetics
Classification: Uncertain significance for Spermatogenic failure 28; Premature ovarian failure 15. Last evaluated: 2024-04-26. Review status: criteria provided, single submitter. Criteria: ACMG Guidelines, 2015. Collection method: clinical testing. Allele origin: germline.

Literature cited by the submitters: PubMed 30995915 (cited by Labcorp Genetics (formerly Invitae), Labcorp and Quest Diagnostics Nichols Institute San Juan Capistrano); PubMed 36707629 (cited by Labcorp Genetics (formerly Invitae), Labcorp and Quest Diagnostics Nichols Institute San Juan Capistrano); PubMed 32113160 (cited by Quest Diagnostics Nichols Institute San Juan Capistrano); PubMed 32235514 (cited by Quest Diagnostics Nichols Institute San Juan Capistrano); PubMed 33384420 (cited by Quest Diagnostics Nichols Institute San Juan Capistrano); PubMed 37349538 (cited by Quest Diagnostics Nichols Institute San Juan Capistrano); PubMed 28569218 (cited by Quest Diagnostics Nichols Institute San Juan Capistrano); PubMed 28881617 (cited by Quest Diagnostics Nichols Institute San Juan Capistrano); PubMed 26483394 (cited by Quest Diagnostics Nichols Institute San Juan Capistrano); PubMed 35739269 (cited by Quest Diagnostics Nichols Institute San Juan Capistrano); PubMed 33471991 (cited by Quest Diagnostics Nichols Institute San Juan Capistrano).